The following is an entry in ClinVar:

ClinVar aggregate classification (germline): Uncertain significance (1 of 4 stars; one submission).

Conditions:
PEX1-related disorder. Also called: PEX1-related condition.

gnomAD v4.1: 1 of 1,613,994 alleles (0.000062%); highest among the groups gnomAD compares: Non-Finnish European, 0.000085%; no homozygotes.

Submission:

3billion
Classification: Uncertain significance for PEX1-related disorder. Last evaluated: 2025-07-27. Review status: criteria provided, single submitter. Criteria: ACMG Guidelines, 2015. Collection method: clinical testing. Allele origin: germline. Affected: yes.
Comment: The variant is observed at an extremely low frequency in the gnomAD v4.1.0 dataset (total allele frequency: <0.001%). Predicted Consequence/Location: Missense variant. The majority of the known disease-causing variants of this gene are variants expected to result in premature termination of the protein. In silico tool predictions suggest damaging effect of the variant on gene or gene product [REVEL: 0.94 (>=0.6, sensitivity 0.68 and specificity 0.92)]. Therefore, this variant is classified as VUS according to the recommendation of ACMG/AMP guideline.

NM_000466.3(PEX1):c.1994A>C (p.Asp665Ala)

Gene: PEX1 (peroxisomal biogenesis factor 1; minus strand). Cytogenetic location: 7q21.2.
Variant type: single nucleotide variant.
Coding change: c.1994A>C on transcript NM_000466.3 (MANE Select); coding-DNA position 1994, A replaced by C.
Protein change: p.Asp665Ala; replaces aspartic acid 665 with alanine.
Molecular consequence: missense variant. On other transcripts: intron variant (1).
Genome position (GRCh38, 1-based): chr7:92,504,809, T>G on the plus strand (A>C on the coding strand, the complement: PEX1 is on the minus strand). VCF-style: chr7-92504809-T-G. GRCh37 (hg19) VCF-style: chr7-92134123-T-G.
Other names: c.1370A>C, p.Asp457Ala (NM_001282678.2); c.1900+1439A>C (NM_001282677.2); short protein forms D457A, D665A.
Identifiers: ClinVar variation 4854768 (VCV004854768.1).